The following is an entry in ClinVar:

ClinVar aggregate classification (germline): Uncertain significance (1 of 4 stars; one submission).

Conditions:
Neonatal-onset encephalopathy with rigidity and seizures. Also called: Lethal neonatal spasticity-epileptic encephalopathy syndrome. Identifiers: Orphanet 435845, MedGen C3281029, MONDO:0013784, OMIM 614498.

Allele frequency attached by ClinVar (database versions not stated): gnomAD exomes below 0.00001 and 0.00001; gnomAD 0.00001; 1000 Genomes Project 30x 0.00016.

Submission:

Labcorp Genetics (formerly Invitae), Labcorp
Classification: Uncertain significance for Neonatal-onset encephalopathy with rigidity and seizures. Last evaluated: 2022-08-16. Review status: criteria provided, single submitter. Criteria: Invitae Variant Classification Sherloc (09022015). Collection method: clinical testing. Allele origin: germline.
Comment: This sequence change replaces aspartic acid, which is acidic and polar, with valine, which is neutral and non-polar, at codon 489 of the BRAT1 protein (p.Asp489Val). This variant is present in population databases (no rsID available, gnomAD 0.006%). This variant has not been reported in the literature in individuals affected with BRAT1-related conditions. ClinVar contains an entry for this variant (Variation ID: 1043087). Algorithms developed to predict the effect of missense changes on protein structure and function are either unavailable or do not agree on the potential impact of this missense change (SIFT: "Deleterious"; PolyPhen-2: "Benign"; Align-GVGD: "Class C0"). In summary, the available evidence is currently insufficient to determine the role of this variant in disease. Therefore, it has been classified as a Variant of Uncertain Significance.

NM_152743.4(BRAT1):c.1466A>T (p.Asp489Val)

Gene: BRAT1 (BRCA1 associated ATM activator 1; minus strand). Cytogenetic location: 7p22.3.
Variant type: single nucleotide variant.
Coding change: c.1466A>T on transcript NM_152743.4 (MANE Select); coding-DNA position 1466, A replaced by T.
Protein change: p.Asp489Val; replaces aspartic acid 489 with valine.
Molecular consequence: missense variant. On other transcripts: non-coding transcript variant (1).
Genome position (GRCh38, 1-based): chr7:2,539,818, T>A on the plus strand (A>T on the coding strand, the complement: BRAT1 is on the minus strand). VCF-style: chr7-2539818-T-A. GRCh37 (hg19) VCF-style: chr7-2579452-T-A.
Other names: c.1466A>T, p.Asp489Val (NM_001350626.2); c.941A>T, p.Asp314Val (NM_001350627.2); short protein forms D314V, D489V.
Identifiers: ClinVar variation 1043087 (VCV001043087.6), dbSNP rs1471653982, ClinGen allele CA366628186.